The following is an entry in ClinVar:

NM_012254.3(SLC27A5):c.1613C>T (p.Ala538Val)

Gene: SLC27A5 (solute carrier family 27 member 5; minus strand). Cytogenetic location: 19q13.43.
Variant type: single nucleotide variant.
Coding change: c.1613C>T on transcript NM_012254.3 (MANE Select); coding-DNA position 1613, C replaced by T.
Protein change: p.Ala538Val; replaces alanine 538 with valine.
Molecular consequence: missense variant.
Genome position (GRCh38, 1-based): chr19:58,499,546, G>A on the plus strand (C>T on the coding strand, the complement: SLC27A5 is on the minus strand). VCF-style: chr19-58499546-G-A. GRCh37 (hg19) VCF-style: chr19-59010913-G-A.
Other names: c.1361C>T, p.Ala454Val (NM_001321196.2); short protein forms A538V, A454V.
Identifiers: ClinVar variation 3675857 (VCV003675857.2).
Genomic context (GRCh38, chr19:58,499,546, plus strand): 5'-TCGGACCGGAAGGTGTCCCCGAGGCGGTCGCGGAAGTAGAGGAAGCCTTCGCGGTCCATG[G>A]CCAGTACGTCCCCGGTGTTGTAGTAAACGTCGCCCGATTGCCGCACGTTGCGCACCAGCT-3'
Protein context (NP_036386.1, residues 528-548): DVYYNTGDVL[Ala538Val]MDREGFLYFR

ClinVar aggregate classification (germline): Uncertain significance (1 of 4 stars; one submission).

Submission:

Labcorp Genetics (formerly Invitae), Labcorp
Classification: Uncertain significance. Last evaluated: 2024-04-29. Review status: criteria provided, single submitter. Criteria: Invitae Variant Classification Sherloc (09022015). Collection method: clinical testing. Allele origin: germline.
Comment: This sequence change replaces alanine, which is neutral and non-polar, with valine, which is neutral and non-polar, at codon 538 of the SLC27A5 protein (p.Ala538Val). This variant is not present in population databases (gnomAD no frequency). This variant has not been reported in the literature in individuals affected with SLC27A5-related conditions. Algorithms developed to predict the effect of missense changes on protein structure and function output the following: SIFT: "Not Available"; PolyPhen-2: "Benign"; Align-GVGD: "Not Available". The valine amino acid residue is found in multiple mammalian species, which suggests that this missense change does not adversely affect protein function. In summary, the available evidence is currently insufficient to determine the role of this variant in disease. Therefore, it has been classified as a Variant of Uncertain Significance.